The following is an entry in ClinVar:

NM_000368.5(TSC1):c.1266A>T (p.Glu422Asp)

Gene: TSC1 (TSC complex subunit 1; minus strand). Cytogenetic location: 9q34.13.
Variant type: single nucleotide variant.
Coding change: c.1266A>T on transcript NM_000368.5 (MANE Select); coding-DNA position 1266, A replaced by T.
Protein change: p.Glu422Asp; replaces glutamic acid 422 with aspartic acid.
Molecular consequence: missense variant. On other transcripts: non-coding transcript variant (5).
Genome position (GRCh38, 1-based): chr9:132,907,368, T>A on the plus strand (A>T on the coding strand, the complement: TSC1 is on the minus strand). VCF-style: chr9-132907368-T-A. GRCh37 (hg19) VCF-style: chr9-135782755-T-A.
Other names: c.1263A>T, p.Glu421Asp (NM_001162426.2, NM_001406597.1, NM_001406598.1 and 6 more transcripts); c.1113A>T, p.Glu371Asp (NM_001162427.2, NM_001406610.1); c.903A>T, p.Glu301Asp (NM_001362177.2, NM_001406614.1, NM_001406615.1 and 5 more transcripts); c.1266A>T, p.Glu422Asp (NM_001406592.1, NM_001406593.1, NM_001406594.1 and 7 more transcripts); c.1110A>T, p.Glu370Asp (NM_001406611.1, NM_001406612.1, NM_001406613.1); c.900A>T, p.Glu300Asp (NM_001406620.1, NM_001406621.1, NM_001406622.1 and 2 more transcripts); c.315A>T, p.Glu105Asp (NM_001406626.1); c.312A>T, p.Glu104Asp (NM_001406627.1, NM_001406628.1); and 1 more; short protein forms E301D, E105D, E371D, E71D, E300D, E370D, E422D, E104D.
Identifiers: ClinVar variation 4554658 (VCV004554658.1).
Genomic context (GRCh38, chr9:132,907,368, plus strand): 5'-TCTGTCATTCAGAAGATGGTGTTGTCTGTGTAGACATGGTCTTGCAGAATCCATTCTCTC[T>A]TCCTGAAAAGATAAGTATCATTTATATCACAAGACGAAAAATGTTGCACATGTTCTCGAG-3'
Protein context (NP_000359.1, residues 412-432): PQATVTPPRK[Glu422Asp]ERMDSARPCL

ClinVar aggregate classification (germline): Uncertain significance (1 of 4 stars; one submission).

Conditions:
Hereditary cancer-predisposing syndrome. Also called: Tumor predisposition; Hereditary Cancer Syndrome; Hereditary neoplastic syndrome; Neoplastic Syndromes, Hereditary. Identifiers: Orphanet 140162, MedGen C0027672, MeSH D009386, MONDO:0015356.

Submission:

Ambry Genetics
Classification: Uncertain significance for Hereditary cancer-predisposing syndrome. Last evaluated: 2025-12-07. Review status: criteria provided, single submitter. Criteria: Ambry Variant Classification Scheme 2023. Collection method: clinical testing. Allele origin: germline.
Comment: The p.E422D variant (also known as c.1266A>T), located in coding exon 11 of the TSC1 gene, results from an A to T substitution at nucleotide position 1266. The glutamic acid at codon 422 is replaced by aspartic acid, an amino acid with highly similar properties. This amino acid position is conserved. In addition, this alteration is predicted to be tolerated by in silico analysis. Based on the available evidence, the clinical significance of this variant remains unclear.